The following is an entry in ClinVar:

NM_000352.6(ABCC8):c.4226T>A (p.Ile1409Asn)

Gene: ABCC8 (ATP binding cassette subfamily C member 8; minus strand). Cytogenetic location: 11p15.1.
Variant type: single nucleotide variant.
Coding change: c.4226T>A on transcript NM_000352.6 (MANE Select); coding-DNA position 4226, T replaced by A.
Protein change: p.Ile1409Asn; replaces isoleucine 1409 with asparagine.
Molecular consequence: missense variant. On other transcripts: non-coding transcript variant (1).
Genome position (GRCh38, 1-based): chr11:17,395,691, A>T on the plus strand (T>A on the coding strand, the complement: ABCC8 is on the minus strand). VCF-style: chr11-17395691-A-T. GRCh37 (hg19) VCF-style: chr11-17417238-A-T.
Other names: c.4229T>A, p.Ile1410Asn (NM_001287174.3); c.4292T>A, p.Ile1431Asn (NM_001351295.2); c.4226T>A, p.Ile1409Asn (NM_001351296.2); c.4223T>A, p.Ile1408Asn (NM_001351297.2); short protein forms I1408N, I1409N, I1410N, I1431N.
Identifiers: ClinVar variation 4808033 (VCV004808033.1).

ClinVar aggregate classification (germline): Uncertain significance (1 of 4 stars; one submission).

Submission:

Labcorp Genetics (formerly Invitae), Labcorp
Classification: Uncertain significance. Last evaluated: 2025-05-27. Review status: criteria provided, single submitter. Criteria: Invitae Variant Classification Sherloc (09022015). Collection method: clinical testing. Allele origin: germline.
Comment: This sequence change replaces isoleucine, which is neutral and non-polar, with asparagine, which is neutral and polar, at codon 1409 of the ABCC8 protein (p.Ile1409Asn). This variant is not present in population databases (gnomAD no frequency). This variant has not been reported in the literature in individuals affected with ABCC8-related conditions. Invitae Evidence Modeling of protein sequence and biophysical properties (such as structural, functional, and spatial information, amino acid conservation, physicochemical variation, residue mobility, and thermodynamic stability) indicates that this missense variant is expected to disrupt ABCC8 protein function with a positive predictive value of 95%. In summary, the available evidence is currently insufficient to determine the role of this variant in disease. Therefore, it has been classified as a Variant of Uncertain Significance.